The following is an entry in ClinVar:

NM_016247.4(IMPG2):c.2527G>T (p.Asp843Tyr)

Gene: IMPG2 (interphotoreceptor matrix proteoglycan 2; minus strand). Cytogenetic location: 3q12.3.
Variant type: single nucleotide variant.
Coding change: c.2527G>T on transcript NM_016247.4 (MANE Select); coding-DNA position 2527, G replaced by T.
Protein change: p.Asp843Tyr; replaces aspartic acid 843 with tyrosine.
Molecular consequence: missense variant.
Genome position (GRCh38, 1-based): chr3:101,243,804, C>A on the plus strand (G>T on the coding strand, the complement: IMPG2 is on the minus strand). VCF-style: chr3-101243804-C-A. GRCh37 (hg19) VCF-style: chr3-100962648-C-A.
Other names: short protein forms D843Y.
Identifiers: ClinVar variation 1429892 (VCV001429892.8), dbSNP rs773722848, ClinGen allele CA2518956.
Genomic context (GRCh38, chr3:101,243,804, plus strand): 5'-CAACCTTGCCATTTTGCTCTTGGACTTGCTCAGGCTGATAGTAATCTGTGCCTATCCGGT[C>A]CAGTTCTAACGAAATATCCTGTACACCCATAATTACTTCATCCTCTAGCAGGGTGGAGAT-3'
Protein context (NP_057331.2, residues 833-853): MGVQDISLEL[Asp843Tyr]RIGTDYYQPE

ClinVar aggregate classification (germline): Uncertain significance (1 of 4 stars; one submission).

Allele frequency attached by ClinVar (database versions not stated): gnomAD exomes below 0.00001; ExAC 0.00001.
gnomAD v4.1: 1 of 1,614,124 alleles (0.000062%); highest among the groups gnomAD compares: East Asian, 0.0022%; no homozygotes.

Submission:

Labcorp Genetics (formerly Invitae), Labcorp
Classification: Uncertain significance. Last evaluated: 2024-10-21. Review status: criteria provided, single submitter. Criteria: Invitae Variant Classification Sherloc (09022015). Collection method: clinical testing. Allele origin: germline.
Comment: This sequence change replaces aspartic acid, which is acidic and polar, with tyrosine, which is neutral and polar, at codon 843 of the IMPG2 protein (p.Asp843Tyr). This variant is present in population databases (rs773722848, gnomAD 0.006%). This variant has not been reported in the literature in individuals affected with IMPG2-related conditions. ClinVar contains an entry for this variant (Variation ID: 1429892). Invitae Evidence Modeling of protein sequence and biophysical properties (such as structural, functional, and spatial information, amino acid conservation, physicochemical variation, residue mobility, and thermodynamic stability) indicates that this missense variant is expected to disrupt IMPG2 protein function with a positive predictive value of 80%. In summary, the available evidence is currently insufficient to determine the role of this variant in disease. Therefore, it has been classified as a Variant of Uncertain Significance.